The following is an entry in ClinVar:

ClinVar aggregate classification (germline): Uncertain significance (1 of 4 stars; one submission).

Conditions:
Dilated cardiomyopathy 1AA (CMD1AA). Also called: CARDIOMYOPATHY, DILATED, 1AA, WITH OR WITHOUT LEFT VENTRICULAR NONCOMPACTION; CARDIOMYOPATHY, FAMILIAL HYPERTROPHIC, 23, WITH OR WITHOUT LEFT VENTRICULAR NONCOMPACTION; Cardiomyopathy, dilated, 1AA, with or without LVNC. Identifiers: Orphanet 154, MedGen C2677338, MONDO:0012808, OMIM 612158.
Primary familial hypertrophic cardiomyopathy (HCM). Identifiers: Orphanet 99739, MedGen C0949658, MeSH D024741, MONDO:0024573. Inheritance: Various modes of inheritance.

Allele frequency attached by ClinVar (database versions not stated): gnomAD exomes below 0.00001.
gnomAD v4.1: 2 of 1,614,164 alleles (0.00012%); highest among the groups gnomAD compares: Non-Finnish European, 0.00017%; no homozygotes.

Submission:

Labcorp Genetics (formerly Invitae), Labcorp
Classification: Uncertain significance for Primary familial hypertrophic cardiomyopathy; Dilated cardiomyopathy 1AA. Last evaluated: 2021-09-08. Review status: criteria provided, single submitter. Criteria: Invitae Variant Classification Sherloc (09022015). Collection method: clinical testing. Allele origin: germline.
Comment: This sequence change falls in intron 11 of the ACTN2 gene. It does not directly change the encoded amino acid sequence of the ACTN2 protein. It affects a nucleotide within the consensus splice site of the intron. This variant is not present in population databases (ExAC no frequency). This variant has not been reported in the literature in individuals affected with ACTN2-related conditions. Variants that disrupt the consensus splice site are a relatively common cause of aberrant splicing (PMID: 17576681, 9536098). Algorithms developed to predict the effect of sequence changes on RNA splicing suggest that this variant is not likely to affect RNA splicing. In summary, the available evidence is currently insufficient to determine the role of this variant in disease. Therefore, it has been classified as a Variant of Uncertain Significance.

Literature cited by the submitters: PubMed 17576681; PubMed 9536098.

NM_001103.4(ACTN2):c.1255+4A>C

Gene: ACTN2 (actinin alpha 2; plus strand). Cytogenetic location: 1q43.
Variant type: single nucleotide variant.
Coding change: c.1255+4A>C on transcript NM_001103.4 (MANE Select); 4 bases into the intron after coding-DNA position 1255, A replaced by C.
Molecular consequence: intron variant.
Genome position (GRCh38, 1-based): chr1:236,743,047, A>C. VCF-style: chr1-236743047-A-C. GRCh37 (hg19) VCF-style: chr1-236906347-A-C.
Other names: c.631+4A>C (NM_001278344.2); c.1255+4A>C (NM_001278343.2).
Identifiers: ClinVar variation 1413136 (VCV001413136.6), dbSNP rs1659121549, ClinGen allele CA2573132053.